The following is an entry in ClinVar:

ClinVar aggregate classification (germline): Likely pathogenic. Review status: criteria provided, single submitter (1 of 4 stars). 3 submissions from 3 submitters: Likely pathogenic (1). 2 of the submissions do not count toward it. Last evaluated 2025-06-16.

Conditions:
Inborn genetic diseases. Identifiers: MedGen C0950123, MeSH D030342.
Jeune thoracic dystrophy. Also called: Jeune syndrome; Infantile thoracic dystrophy; Thoracic pelvic phalangeal dystrophy; Jeune's syndrome; Chondroectodermal dysplasia-like syndrome; Short-rib thoracic dysplasia. Identifiers: Orphanet 474, MedGen C0265275, MONDO:0018770.

Allele frequency attached by ClinVar (database versions not stated): TOPMed below 0.00001; ExAC 0.00001; gnomAD exomes 0.00001.
gnomAD v4.1: 5 of 1,592,434 alleles (0.00031%); highest among the groups gnomAD compares: Admixed American, 0.0035%; no homozygotes.

Submissions (3):

Ambry Genetics
Classification: Likely pathogenic for Inborn genetic diseases. Last evaluated: 2025-06-16. Review status: criteria provided, single submitter. Criteria: Ambry Variant Classification Scheme 2023. Collection method: clinical testing. Allele origin: germline.
Comment: The c.1054G>T (p.G352C) alteration is located in exon 13 (coding exon 12) of the IFT74 gene. This alteration results from a G to T substitution at nucleotide position 1054, causing the glycine (G) at amino acid position 352 to be replaced by a cysteine (C). RNA studies have demonstrated that this alteration results in abnormal splicing in the set of samples tested (Ambry internal data). Based on the available evidence, this alteration is classified as likely pathogenic.

Dan Cohn Lab, University Of California Los Angeles
Classification: Uncertain significance for Asphyxiating thoracic dystrophy. Last evaluated: 2017-06-01. Review status: no assertion criteria provided. Collection method: research. Allele origin: paternal. Affected: yes. Not counted in ClinVar's aggregate classification.

University of Washington Center for Mendelian Genomics, University of Washington
Classification: Likely pathogenic for asphyxiating thoracic dystrophy. Review status: no assertion criteria provided. Collection method: research. Allele origin: inherited. Affected: yes. Not counted in ClinVar's aggregate classification.

Literature cited by the submitters: PubMed 29068549 (cited by 3 submitters).

NM_025103.4(IFT74):c.1054G>T (p.Gly352Cys)

Gene: IFT74 (intraflagellar transport 74; plus strand). Cytogenetic location: 9p21.2.
Variant type: single nucleotide variant.
Coding change: c.1054G>T on transcript NM_025103.4 (MANE Select); coding-DNA position 1054, G replaced by T.
Protein change: p.Gly352Cys; replaces glycine 352 with cysteine.
Molecular consequence: missense variant.
Genome position (GRCh38, 1-based): chr9:27,029,104, G>T. VCF-style: chr9-27029104-G-T. GRCh37 (hg19) VCF-style: chr9-27029102-G-T.
Other names: c.1054G>T, p.Gly352Cys (NM_001099222.3, NM_001099223.3, NM_001349928.2); c.1054G>T, p.Asp352Tyr (NM_001099224.3); short protein forms G352C, D352Y.
Identifiers: ClinVar variation 446684 (VCV000446684.4), dbSNP rs759662469, ClinGen allele CA5015490.
Genomic context (GRCh38, chr9:27,029,104, plus strand): 5'-AAGATAAATCAGTTTATTGAAGAAATTAGACAACTTGACATGGATTTAGAGGAACACCAA[G>T]GTATGCTTCTGGTATTTTTATAATGTAGATTAACAGATGTTTAGCAGTATTAATATAGTG-3'
Protein context (NP_079379.2, residues 342-362): QLDMDLEEHQ[Gly352Cys]EMNQKYKELK